The following is an entry in ClinVar:

ClinVar aggregate classification (germline): Uncertain significance (1 of 4 stars; one submission).

Conditions:
Inborn genetic diseases. Identifiers: MedGen C0950123, MeSH D030342.

Submission:

Ambry Genetics
Classification: Uncertain significance for Inborn genetic diseases. Last evaluated: 2025-02-26. Review status: criteria provided, single submitter. Criteria: Ambry Variant Classification Scheme 2023. Collection method: clinical testing. Allele origin: germline.
Comment: The p.A717T variant (also known as c.2149G>A), located in coding exon 12 of the BMPR2 gene, results from a G to A substitution at nucleotide position 2149. The alanine at codon 717 is replaced by threonine, an amino acid with similar properties. This amino acid position is conserved. In addition, this alteration is predicted to be tolerated by in silico analysis. Based on the available evidence, the clinical significance of this variant remains unclear.

NM_001204.7(BMPR2):c.2149G>A (p.Ala717Thr)

Gene: BMPR2 (bone morphogenetic protein receptor type 2; plus strand). Cytogenetic location: 2q33.2.
Variant type: single nucleotide variant.
Coding change: c.2149G>A on transcript NM_001204.7 (MANE Select); coding-DNA position 2149, G replaced by A.
Protein change: p.Ala717Thr; replaces alanine 717 with threonine.
Molecular consequence: missense variant.
Genome position (GRCh38, 1-based): chr2:202,555,814, G>A. VCF-style: chr2-202555814-G-A. GRCh37 (hg19) VCF-style: chr2-203420537-G-A.
Other names: short protein forms A717T.
Identifiers: ClinVar variation 3824930 (VCV003824930.1).